The following is an entry in ClinVar:

NM_004371.4(COPA):c.2476+6T>A

Gene: COPA (coat protein complex I subunit alpha; minus strand). Cytogenetic location: 1q23.2.
Variant type: single nucleotide variant.
Coding change: c.2476+6T>A on transcript NM_004371.4 (MANE Select); 6 bases into the intron after coding-DNA position 2476, T replaced by A.
Molecular consequence: intron variant.
Genome position (GRCh38, 1-based): chr1:160,295,730, A>T on the plus strand (T>A on the coding strand, the complement: COPA is on the minus strand). VCF-style: chr1-160295730-A-T. GRCh37 (hg19) VCF-style: chr1-160265520-A-T.
Other names: c.2503+6T>A (NM_001098398.2).
Identifiers: ClinVar variation 1897076 (VCV001897076.5), dbSNP rs2525359603, ClinGen allele CA2580061268.

ClinVar aggregate classification (germline): Uncertain significance (1 of 4 stars; one submission).

Conditions:
Autoimmune interstitial lung disease-arthritis syndrome. Also called: Autoinflammation and autoimmunity, systemic, with immune dysregulation. Identifiers: Orphanet 444092, MedGen C5975714, MONDO:0014629.

Submission:

Labcorp Genetics (formerly Invitae), Labcorp
Classification: Uncertain significance for Autoimmune interstitial lung disease-arthritis syndrome. Last evaluated: 2022-07-09. Review status: criteria provided, single submitter. Criteria: Invitae Variant Classification Sherloc (09022015). Collection method: clinical testing. Allele origin: germline.
Comment: Variants that disrupt the consensus splice site are a relatively common cause of aberrant splicing (PMID: 17576681, 9536098). Algorithms developed to predict the effect of sequence changes on RNA splicing suggest that this variant is not likely to affect RNA splicing. In summary, the available evidence is currently insufficient to determine the role of this variant in disease. Therefore, it has been classified as a Variant of Uncertain Significance. This variant has not been reported in the literature in individuals affected with COPA-related conditions. This sequence change falls in intron 23 of the COPA gene. It does not directly change the encoded amino acid sequence of the COPA protein. It affects a nucleotide within the consensus splice site. This variant is not present in population databases (gnomAD no frequency).

Literature cited by the submitters: PubMed 17576681; PubMed 9536098.